The following is an entry in ClinVar:

NM_018136.5(ASPM):c.2173+6C>T

Gene: ASPM (assembly factor for spindle microtubules; minus strand). Cytogenetic location: 1q31.3.
Variant type: single nucleotide variant.
Coding change: c.2173+6C>T on transcript NM_018136.5 (MANE Select); 6 bases into the intron after coding-DNA position 2173, C replaced by T.
Molecular consequence: intron variant.
Genome position (GRCh38, 1-based): chr1:197,135,090, G>A on the plus strand (C>T on the coding strand, the complement: ASPM is on the minus strand). VCF-style: chr1-197135090-G-A. GRCh37 (hg19) VCF-style: chr1-197104220-G-A.
Other names: c.2173+6C>T (NM_001206846.2).
Identifiers: ClinVar variation 294648 (VCV000294648.12), dbSNP rs377501585, ClinGen allele CA1310542.

ClinVar aggregate classification (germline): Conflicting classifications of pathogenicity. Review status: criteria provided, conflicting classifications (1 of 4 stars). 3 submissions from 3 submitters: Uncertain significance (2); Likely benign (1). Last evaluated 2022-12-06.

Conditions:
Microcephaly 5, primary, autosomal recessive (MCPH5). Also called: ASPM Primary Microcephaly. Identifiers: Orphanet 2512, MedGen C1837501, MONDO:0012106, OMIM 608716.

Allele frequency attached by ClinVar (database versions not stated): gnomAD exomes 0.00001; ExAC 0.00002; gnomAD 0.00003; TOPMed 0.00003; ESP Exome Variant Server 0.00008.
gnomAD v4.1: 19 of 1,550,370 alleles (0.0012%); highest among the groups gnomAD compares: East Asian, 0.0068%; no homozygotes.

Submissions (3):

Labcorp Genetics (formerly Invitae), Labcorp
Classification: Uncertain significance. Last evaluated: 2022-12-06. Review status: criteria provided, single submitter. Criteria: Invitae Variant Classification Sherloc (09022015). Collection method: clinical testing. Allele origin: germline.
Comment: In summary, the available evidence is currently insufficient to determine the role of this variant in disease. Therefore, it has been classified as a Variant of Uncertain Significance. Variants that disrupt the consensus splice site are a relatively common cause of aberrant splicing (PMID: 17576681, 9536098). Algorithms developed to predict the effect of sequence changes on RNA splicing suggest that this variant is not likely to affect RNA splicing. ClinVar contains an entry for this variant (Variation ID: 294648). This variant has not been reported in the literature in individuals affected with ASPM-related conditions. This variant is present in population databases (rs377501585, gnomAD 0.006%). This sequence change falls in intron 5 of the ASPM gene. It does not directly change the encoded amino acid sequence of the ASPM protein. It affects a nucleotide within the consensus splice site.

GeneDx
Classification: Likely benign. Last evaluated: 2018-08-29. Review status: criteria provided, single submitter. Criteria: GeneDx Variant Classification Process June 2021. Collection method: clinical testing. Allele origin: germline. Affected: yes.

Illumina Laboratory Services, Illumina
Classification: Uncertain significance for Microcephaly 5, primary, autosomal recessive. Last evaluated: 2018-01-13. Review status: criteria provided, single submitter. Criteria: ICSL Variant Classification Criteria 13 December 2019. Collection method: clinical testing. Allele origin: germline.

Literature cited by the submitters: PubMed 17576681 (cited by Labcorp Genetics (formerly Invitae), Labcorp); PubMed 9536098 (cited by Labcorp Genetics (formerly Invitae), Labcorp).